The following is an entry in ClinVar:

NM_000268.4(NF2):c.1742C>A (p.Thr581Asn)

Gene: NF2 (NF2, moesin-ezrin-radixin like (MERLIN) tumor suppressor; plus strand). Cytogenetic location: 22q12.2.
Variant type: single nucleotide variant.
Coding change: c.1742C>A on transcript NM_000268.4 (MANE Select); coding-DNA position 1742, C replaced by A.
Protein change: p.Thr581Asn; replaces threonine 581 with asparagine.
Molecular consequence: missense variant. On other transcripts: 3 prime UTR variant (11), non-coding transcript variant (1).
Genome position (GRCh38, 1-based): chr22:29,694,756, C>A. VCF-style: chr22-29694756-C-A. GRCh37 (hg19) VCF-style: chr22-30090745-C-A.
Other names: c.1579C>A, p.Pro527Thr (NM_001407060.1); c.1484C>A, p.Thr495Asn (NM_001407062.1); c.*29C>A (NM_001407063.1, NM_181832.3, NM_001407058.1); c.1330C>A, p.Pro444Thr (NM_001407064.1); c.*14C>A (NM_001407065.1, NM_001407067.1, NM_016418.5 and 5 more transcripts); c.452C>A, p.Thr151Asn (NM_181833.3); c.1628C>A, p.Thr543Asn (NM_001407053.1); c.1619C>A, p.Thr540Asn (NM_001407054.1); and 2 more; short protein forms P444T, P527T, T151N, T495N, T536N, T539N, T540N, T543N.
Identifiers: ClinVar variation 4861010 (VCV004861010.1).

ClinVar aggregate classification (germline): Uncertain significance (1 of 4 stars; one submission).

Conditions:
Hereditary cancer-predisposing syndrome. Also called: Neoplastic Syndromes, Hereditary; Tumor predisposition; Hereditary Cancer Syndrome; Hereditary neoplastic syndrome. Identifiers: Orphanet 140162, MedGen C0027672, MeSH D009386, MONDO:0015356.

Submission:

Ambry Genetics
Classification: Uncertain significance for Hereditary cancer-predisposing syndrome. Last evaluated: 2026-03-17. Review status: criteria provided, single submitter. Criteria: Ambry Variant Classification Scheme 2023. Collection method: clinical testing. Allele origin: germline.
Comment: The p.T581N variant (also known as c.1742C>A), located in coding exon 16 of the NF2 gene, results from a C to A substitution at nucleotide position 1742. The threonine at codon 581 is replaced by asparagine, an amino acid with similar properties. This amino acid position is highly conserved in available vertebrate species. In addition, the in silico prediction for this alteration is inconclusive. Based on the available evidence, the clinical significance of this variant remains unclear.